The following is an entry in ClinVar:

ClinVar aggregate classification (germline): Uncertain significance (1 of 4 stars; one submission).

Allele frequency attached by ClinVar (database versions not stated): gnomAD exomes below 0.00001; ExAC 0.00001; gnomAD 0.00001.
gnomAD v4.1: 4 of 1,613,978 alleles (0.00025%); highest among the groups gnomAD compares: East Asian, 0.0067%; no homozygotes.

Submission:

Labcorp Genetics (formerly Invitae), Labcorp
Classification: Uncertain significance. Last evaluated: 2021-08-31. Review status: criteria provided, single submitter. Criteria: Invitae Variant Classification Sherloc (09022015). Collection method: clinical testing. Allele origin: germline.
Comment: This sequence change replaces alanine with threonine at codon 149 of the PDZD7 protein (p.Ala149Thr). The alanine residue is highly conserved and there is a small physicochemical difference between alanine and threonine. This variant is present in population databases (rs767110888, ExAC 0.02%). This variant has not been reported in the literature in individuals affected with PDZD7-related conditions. Algorithms developed to predict the effect of missense changes on protein structure and function are either unavailable or do not agree on the potential impact of this missense change (SIFT: "Deleterious"; PolyPhen-2: "Not Available"; Align-GVGD: "Class C55"). In summary, the available evidence is currently insufficient to determine the role of this variant in disease. Therefore, it has been classified as a Variant of Uncertain Significance.

NM_001195263.2(PDZD7):c.445G>A (p.Ala149Thr)

Gene: PDZD7 (PDZ domain containing 7; minus strand). Cytogenetic location: 10q24.31.
Variant type: single nucleotide variant.
Coding change: c.445G>A on transcript NM_001195263.2 (MANE Select); coding-DNA position 445, G replaced by A.
Protein change: p.Ala149Thr; replaces alanine 149 with threonine.
Molecular consequence: missense variant.
Genome position (GRCh38, 1-based): chr10:101,023,533, C>T on the plus strand (G>A on the coding strand, the complement: PDZD7 is on the minus strand). VCF-style: chr10-101023533-C-T. GRCh37 (hg19) VCF-style: chr10-102783290-C-T.
Other names: c.445G>A, p.Ala149Thr (NM_001351044.2, NM_024895.5); short protein forms A149T.
Identifiers: ClinVar variation 1368409 (VCV001368409.5), dbSNP rs767110888, ClinGen allele CA5654384.
Genomic context (GRCh38, chr10:101,023,533, plus strand): 5'-CACGGCCCATGCGCCGAACCATCATGTGCAGGCGGCTGCTGCTGGTCAGCACCTTTACGG[C>T]GCTACCCATGGTGGTGCTCTCCAGGCTCAGCCCATTCACCTCCGTGATCTTGTCCCCCAC-3'
Protein context (NP_001182192.1, residues 139-159): LSLESTTMGS[Ala149Thr]VKVLTSSSRL